The following is an entry in ClinVar:

NM_024757.5(EHMT1):c.2782G>A (p.Ala928Thr)

Gene: EHMT1 (euchromatic histone lysine methyltransferase 1; plus strand). Cytogenetic location: 9q34.3.
Variant type: single nucleotide variant.
Coding change: c.2782G>A on transcript NM_024757.5 (MANE Select); coding-DNA position 2782, G replaced by A.
Protein change: p.Ala928Thr; replaces alanine 928 with threonine.
Molecular consequence: missense variant.
Genome position (GRCh38, 1-based): chr9:137,811,530, G>A. VCF-style: chr9-137811530-G-A. GRCh37 (hg19) VCF-style: chr9-140705982-G-A.
Other names: c.2761G>A, p.Ala921Thr (NM_001354263.2); short protein forms A921T, A928T.
Identifiers: ClinVar variation 2499187 (VCV002499187.3), dbSNP rs2538621144, ClinGen allele CA375791541.

ClinVar aggregate classification (germline): Uncertain significance. Review status: criteria provided, multiple submitters, no conflicts (2 of 4 stars). 2 submissions from 2 submitters: Uncertain significance (2). Last evaluated 2025-07-09.

Conditions:
Kleefstra syndrome 1 (KLEFS1). Identifiers: Orphanet 261494, MedGen C0795833, MONDO:0027407, OMIM 610253.

Allele frequency attached by ClinVar (database versions not stated): gnomAD exomes below 0.00001.
gnomAD v4.1: 1 of 1,610,860 alleles (0.000062%); highest among the groups gnomAD compares: Admixed American, 0.0017%; no homozygotes.

Submissions (2):

Labcorp Genetics (formerly Invitae), Labcorp
Classification: Uncertain significance for Kleefstra syndrome 1. Last evaluated: 2025-07-09. Review status: criteria provided, single submitter. Criteria: Invitae Variant Classification Sherloc (09022015). Collection method: clinical testing. Allele origin: germline.
Comment: This sequence change replaces alanine, which is neutral and non-polar, with threonine, which is neutral and polar, at codon 928 of the EHMT1 protein (p.Ala928Thr). This variant is not present in population databases (gnomAD no frequency). This variant has not been reported in the literature in individuals affected with EHMT1-related conditions. ClinVar contains an entry for this variant (Variation ID: 2499187). Invitae Evidence Modeling of protein sequence and biophysical properties (such as structural, functional, and spatial information, amino acid conservation, physicochemical variation, residue mobility, and thermodynamic stability) indicates that this missense variant is not expected to disrupt EHMT1 protein function with a negative predictive value of 80%. In summary, the available evidence is currently insufficient to determine the role of this variant in disease. Therefore, it has been classified as a Variant of Uncertain Significance.

GeneDx
Classification: Uncertain significance. Last evaluated: 2024-05-10. Review status: criteria provided, single submitter. Criteria: GeneDx Variant Classification Process June 2021. Collection method: clinical testing. Allele origin: germline.
Comment: Not observed at significant frequency in large population cohorts (gnomAD); In silico analysis supports that this missense variant does not alter protein structure/function; Has not been previously published as pathogenic or benign to our knowledge